The following is an entry in ClinVar:

ClinVar aggregate classification (germline): Uncertain significance (1 of 4 stars; one submission).

Conditions:
VPS13B-related disorder. Also called: VPS13B-related condition.

Submission:

PreventionGenetics, part of Exact Sciences
Classification: Uncertain significance for VPS13B-related condition. Last evaluated: 2024-12-14. Review status: criteria provided, single submitter. Criteria: ACMG Guidelines, 2015. Collection method: clinical testing. Allele origin: germline.
Comment: The VPS13B c.3871-5C>T variant is predicted to interfere with splicing. To our knowledge, this variant has not been reported in the literature or in a large population database (gnomAD), indicating this variant is rare. At this time, the clinical significance of this variant is uncertain due to the absence of conclusive functional and genetic evidence.

NM_152564.5(VPS13B):c.3871-5C>T

Gene: VPS13B (vacuolar protein sorting 13 homolog B; plus strand). Cytogenetic location: 8q22.2.
Variant type: single nucleotide variant.
Coding change: c.3871-5C>T on transcript NM_152564.5 (MANE Select); 5 bases into the intron before coding-DNA position 3871, C replaced by T.
Molecular consequence: intron variant.
Genome position (GRCh38, 1-based): chr8:99,501,682, C>T. VCF-style: chr8-99501682-C-T. GRCh37 (hg19) VCF-style: chr8-100513910-C-T.
Other names: c.3871-5C>T (NM_017890.5).
Identifiers: ClinVar variation 4997708 (VCV004997708.1).
Genomic context (GRCh38, chr8:99,501,682, plus strand): 5'-AATTTGTATTTTCTGTTATTTTTGTTTATGTTACAAAGTAAGATTTTTTTTTCTCCTCAT[C>T]CCAGGGAGATTCTATACAAGCAGGTGAGGAATCACCATTCTCAGATTCTGTGACCTTGGA-3'